The following is an entry in ClinVar:

ClinVar aggregate classification (germline): Uncertain significance (1 of 4 stars; one submission).

Allele frequency attached by ClinVar (database versions not stated): gnomAD 0.00002.
gnomAD v4.1: 13 of 1,591,494 alleles (0.00082%); highest among the groups gnomAD compares: South Asian, 0.0034%; no homozygotes.

Submission:

Labcorp Genetics (formerly Invitae), Labcorp
Classification: Uncertain significance. Last evaluated: 2024-12-15. Review status: criteria provided, single submitter. Criteria: Invitae Variant Classification Sherloc (09022015). Collection method: clinical testing. Allele origin: germline.
Comment: This sequence change replaces proline, which is neutral and non-polar, with leucine, which is neutral and non-polar, at codon 1564 of the SETBP1 protein (p.Pro1564Leu). The frequency data for this variant in the population databases is considered unreliable, as metrics indicate poor data quality at this position in the gnomAD database. This variant has not been reported in the literature in individuals affected with SETBP1-related conditions. ClinVar contains an entry for this variant (Variation ID: 2179957). An algorithm developed to predict the effect of missense changes on protein structure and function outputs the following: PolyPhen-2: "Benign". The leucine amino acid residue is found in multiple mammalian species, which suggests that this missense change does not adversely affect protein function. In summary, the available evidence is currently insufficient to determine the role of this variant in disease. Therefore, it has been classified as a Variant of Uncertain Significance.

NM_015559.3(SETBP1):c.4691C>T (p.Pro1564Leu)

Gene: SETBP1 (SET binding protein 1; plus strand). Cytogenetic location: 18q12.3.
Variant type: single nucleotide variant.
Coding change: c.4691C>T on transcript NM_015559.3 (MANE Select); coding-DNA position 4691, C replaced by T.
Protein change: p.Pro1564Leu; replaces proline 1564 with leucine.
Molecular consequence: missense variant.
Genome position (GRCh38, 1-based): chr18:45,063,598, C>T. VCF-style: chr18-45063598-C-T. GRCh37 (hg19) VCF-style: chr18-42643563-C-T.
Other names: c.4691C>T, p.Pro1564Leu (NM_001379141.1, NM_001379142.1); c.4520C>T, p.Pro1507Leu (NM_001410862.1); short protein forms P1507L, P1564L.
Identifiers: ClinVar variation 2179957 (VCV002179957.4), dbSNP rs763165685, ClinGen allele CA402483941.